The following is an entry in ClinVar:

ClinVar aggregate classification (germline): Uncertain significance (1 of 4 stars; one submission).

Allele frequency attached by ClinVar (database versions not stated): TOPMed 0.00003; gnomAD exomes 0.00004; ExAC 0.00005.

Submission:

Labcorp Genetics (formerly Invitae), Labcorp
Classification: Uncertain significance. Last evaluated: 2025-05-04. Review status: criteria provided, single submitter. Criteria: Invitae Variant Classification Sherloc (09022015). Collection method: clinical testing. Allele origin: germline.
Comment: This sequence change replaces arginine, which is basic and polar, with cysteine, which is neutral and slightly polar, at codon 109 of the FSCN2 protein (p.Arg109Cys). This variant is present in population databases (rs782756163, gnomAD 0.02%). This variant has not been reported in the literature in individuals affected with FSCN2-related conditions. ClinVar contains an entry for this variant (Variation ID: 2138123). An algorithm developed to predict the effect of missense changes on protein structure and function (PolyPhen-2) suggests that this variant is likely to be disruptive. In summary, the available evidence is currently insufficient to determine the role of this variant in disease. Therefore, it has been classified as a Variant of Uncertain Significance.

NM_012418.4(FSCN2):c.325C>T (p.Arg109Cys)

Gene: FSCN2 (fascin actin-bundling protein 2, retinal; plus strand). Cytogenetic location: 17q25.3.
Variant type: single nucleotide variant.
Coding change: c.325C>T on transcript NM_012418.4 (MANE Select); coding-DNA position 325, C replaced by T.
Protein change: p.Arg109Cys; replaces arginine 109 with cysteine.
Molecular consequence: missense variant.
Genome position (GRCh38, 1-based): chr17:81,528,856, C>T. VCF-style: chr17-81528856-C-T. GRCh37 (hg19) VCF-style: chr17-79495882-C-T.
Other names: c.325C>T, p.Arg109Cys (NM_001077182.3); short protein forms R109C.
Identifiers: ClinVar variation 2138123 (VCV002138123.4), dbSNP rs782756163, ClinGen allele CA8836644.